The following is an entry in ClinVar:

NM_001754.5(RUNX1):c.614-20C>T

Gene: RUNX1 (RUNX family transcription factor 1; minus strand). Cytogenetic location: 21q22.12.
Variant type: single nucleotide variant.
Coding change: c.614-20C>T on transcript NM_001754.5 (MANE Select); 20 bases into the intron before coding-DNA position 614, C replaced by T.
Molecular consequence: intron variant.
Genome position (GRCh38, 1-based): chr21:34,834,621, G>A on the plus strand (C>T on the coding strand, the complement: RUNX1 is on the minus strand). VCF-style: chr21-34834621-G-A. GRCh37 (hg19) VCF-style: chr21-36206918-G-A.
Other names: c.533-20C>T (NM_001001890.3, NM_001122607.2).
Identifiers: ClinVar variation 1567530 (VCV001567530.9), dbSNP rs767418895, ClinGen allele CA10014400.

ClinVar aggregate classification (germline): Likely benign. Review status: reviewed by expert panel (3 of 4 stars). 2 submissions from 2 submitters: Likely benign (1). 1 of the submissions does not count toward it. Last evaluated 2025-01-15.

Conditions:
Hereditary thrombocytopenia and hematologic cancer predisposition syndrome. Identifiers: Orphanet 71290, MedGen CN281654, MONDO:0011071.
Hereditary thrombocytopenia and hematological cancer predisposition syndrome associated with RUNX1. Also called: RUNX1 Familial Platelet Disorder with Associated Myeloid Malignancies; Familial Platelet Disorder with Propensity to Acute Myelogenous Leukemia; Familial thrombocytopenia with propensity to acute myelogenous leukemia; PLATELET DISORDER, ASPIRIN-LIKE. Identifiers: Orphanet 71290, MedGen C1832388, MeSH C563324, MONDO:0100083, OMIM 601399.

Allele frequency attached by ClinVar (database versions not stated): ExAC 0.00001; gnomAD exomes 0.00001; TOPMed 0.00003.
gnomAD v4.1: 20 of 1,581,998 alleles (0.0013%); highest among the groups gnomAD compares: Admixed American, 0.0017%; no homozygotes.

Submissions (2):

ClinGen Myeloid Malignancy Variant Curation Expert Panel
Classification: Likely benign for Hereditary thrombocytopenia and hematologic cancer predisposition syndrome. Last evaluated: 2025-01-15. Review status: reviewed by expert panel. Criteria: ClinGen MyeloMalig ACMG Specifications v2. Collection method: curation. Allele origin: germline. Inheritance: Autosomal dominant inheritance.
Comment: NM_001754.5(RUNX1):c.614-20C>T is an intronic variant which meets criteria for likely benign classification. It has a SpliceAI score ≤ 0.20 (0) (BP4), and evolutionary conservation algorithms predict the site as not being conserved (PhyloP score ≤ 2.0 (-0.44)) (BP7). In summary, this variant meets criteria to be classified as likely benign. ACMG/AMP criteria applied, as specified by the Myeloid Malignancy Variant Curation Expert Panel for RUNX1: BP4, BP7.

Labcorp Genetics (formerly Invitae), Labcorp
Classification: Likely benign for Hereditary thrombocytopenia and hematological cancer predisposition syndrome associated with RUNX1. Last evaluated: 2025-12-08. Review status: criteria provided, single submitter. Criteria: Invitae Variant Classification Sherloc (09022015). Collection method: clinical testing. Allele origin: germline. Not counted in ClinVar's aggregate classification.